The following is an entry in ClinVar:

NM_018706.7(DHTKD1):c.1595G>A (p.Arg532Gln)

Gene: DHTKD1 (dehydrogenase E1 and transketolase domain containing 1; plus strand). Cytogenetic location: 10p14.
Variant type: single nucleotide variant.
Coding change: c.1595G>A on transcript NM_018706.7 (MANE Select); coding-DNA position 1595, G replaced by A.
Protein change: p.Arg532Gln; replaces arginine 532 with glutamine.
Molecular consequence: missense variant.
Genome position (GRCh38, 1-based): chr10:12,097,920, G>A. VCF-style: chr10-12097920-G-A. GRCh37 (hg19) VCF-style: chr10-12139919-G-A.
Other names: short protein forms R532Q.
Identifiers: ClinVar variation 3695172 (VCV003695172.2).

ClinVar aggregate classification (germline): Uncertain significance (1 of 4 stars; one submission).

Conditions:
2-aminoadipic 2-oxoadipic aciduria (AAKAD). Also called: Aminoadipic aciduria; ALPHA-AMINOADIPIC AND ALPHA-KETOADIPIC ACIDURIA. Identifiers: Orphanet 79154, MedGen C1859817, MONDO:0008774, OMIM 204750.

Submission:

Labcorp Genetics (formerly Invitae), Labcorp
Classification: Uncertain significance for 2-aminoadipic 2-oxoadipic aciduria. Last evaluated: 2024-09-25. Review status: criteria provided, single submitter. Criteria: Invitae Variant Classification Sherloc (09022015). Collection method: clinical testing. Allele origin: germline.
Comment: This sequence change replaces arginine, which is basic and polar, with glutamine, which is neutral and polar, at codon 532 of the DHTKD1 protein (p.Arg532Gln). This variant is present in population databases (rs745772641, gnomAD 0.02%). This variant has not been reported in the literature in individuals affected with DHTKD1-related conditions. Invitae Evidence Modeling of protein sequence and biophysical properties (such as structural, functional, and spatial information, amino acid conservation, physicochemical variation, residue mobility, and thermodynamic stability) indicates that this missense variant is not expected to disrupt DHTKD1 protein function with a negative predictive value of 80%. In summary, the available evidence is currently insufficient to determine the role of this variant in disease. Therefore, it has been classified as a Variant of Uncertain Significance.